The following is an entry in ClinVar:

ClinVar aggregate classification (germline): Uncertain significance (1 of 4 stars; one submission).

Conditions:
Ehlers-Danlos syndrome, dermatosparaxis type. Also called: EDS VIIC; Ehlers-Danlos syndrome, type VII, autosomal recessive; Dermatosparaxis. Identifiers: Orphanet 1901, MedGen C2700425, MONDO:0009161, OMIM 225410.

Submission:

Labcorp Genetics (formerly Invitae), Labcorp
Classification: Uncertain significance for Ehlers-Danlos syndrome, dermatosparaxis type. Last evaluated: 2022-05-03. Review status: criteria provided, single submitter. Criteria: Invitae Variant Classification Sherloc (09022015). Collection method: clinical testing. Allele origin: germline.
Comment: This variant has not been reported in the literature in individuals affected with ADAMTS2-related conditions. Algorithms developed to predict the effect of missense changes on protein structure and function (SIFT, PolyPhen-2, Align-GVGD) all suggest that this variant is likely to be tolerated. In summary, the available evidence is currently insufficient to determine the role of this variant in disease. Therefore, it has been classified as a Variant of Uncertain Significance. This variant is not present in population databases (gnomAD no frequency). This sequence change replaces alanine, which is neutral and non-polar, with glycine, which is neutral and non-polar, at codon 242 of the ADAMTS2 protein (p.Ala242Gly).

NM_014244.5(ADAMTS2):c.725C>G (p.Ala242Gly)

Gene: ADAMTS2 (ADAM metallopeptidase with thrombospondin type 1 motif 2; minus strand). Cytogenetic location: 5q35.3.
Variant type: single nucleotide variant.
Coding change: c.725C>G on transcript NM_014244.5 (MANE Select); coding-DNA position 725, C replaced by G.
Protein change: p.Ala242Gly; replaces alanine 242 with glycine.
Molecular consequence: missense variant.
Genome position (GRCh38, 1-based): chr5:179,207,679, G>C on the plus strand (C>G on the coding strand, the complement: ADAMTS2 is on the minus strand). VCF-style: chr5-179207679-G-C. GRCh37 (hg19) VCF-style: chr5-178634680-G-C.
Other names: c.725C>G, p.Ala242Gly (NM_021599.4); short protein forms A242G.
Identifiers: ClinVar variation 2132929 (VCV002132929.4), dbSNP rs753013745, ClinGen allele CA362428671.